The following is an entry in ClinVar:

ClinVar aggregate classification (germline): Uncertain significance (1 of 4 stars; one submission).

Submission:

Labcorp Genetics (formerly Invitae), Labcorp
Classification: Uncertain significance. Last evaluated: 2023-08-04. Review status: criteria provided, single submitter. Criteria: Invitae Variant Classification Sherloc (09022015). Collection method: clinical testing. Allele origin: germline.
Comment: ClinVar contains an entry for this variant (Variation ID: 1420695). This sequence change replaces leucine, which is neutral and non-polar, with glutamine, which is neutral and polar, at codon 1230 of the PRPF8 protein (p.Leu1230Gln). This variant is not present in population databases (gnomAD no frequency). This variant has not been reported in the literature in individuals affected with PRPF8-related conditions. Advanced modeling of protein sequence and biophysical properties (such as structural, functional, and spatial information, amino acid conservation, physicochemical variation, residue mobility, and thermodynamic stability) performed at Invitae indicates that this missense variant is expected to disrupt PRPF8 protein function. In summary, the available evidence is currently insufficient to determine the role of this variant in disease. Therefore, it has been classified as a Variant of Uncertain Significance.

NM_006445.4(PRPF8):c.3689T>A (p.Leu1230Gln)

Gene: PRPF8 (pre-mRNA processing factor 8; minus strand). Cytogenetic location: 17p13.3.
Variant type: single nucleotide variant.
Coding change: c.3689T>A on transcript NM_006445.4 (MANE Select); coding-DNA position 3689, T replaced by A.
Protein change: p.Leu1230Gln; replaces leucine 1230 with glutamine.
Molecular consequence: missense variant.
Genome position (GRCh38, 1-based): chr17:1,673,166, A>T on the plus strand (T>A on the coding strand, the complement: PRPF8 is on the minus strand). VCF-style: chr17-1673166-A-T. GRCh37 (hg19) VCF-style: chr17-1576460-A-T.
Other names: short protein forms L1230Q.
Identifiers: ClinVar variation 1420695 (VCV001420695.8), dbSNP rs2151125640, ClinGen allele CA397538763.